The following is an entry in ClinVar:

NM_020810.3(TRMT5):c.931C>T (p.Pro311Ser)

Gene: TRMT5 (tRNA methyltransferase 5; minus strand). Cytogenetic location: 14q23.1.
Variant type: single nucleotide variant.
Coding change: c.931C>T on transcript NM_020810.3 (MANE Select); coding-DNA position 931, C replaced by T.
Protein change: p.Pro311Ser; replaces proline 311 with serine.
Molecular consequence: missense variant.
Genome position (GRCh38, 1-based): chr14:60,975,988, G>A on the plus strand (C>T on the coding strand, the complement: TRMT5 is on the minus strand). VCF-style: chr14-60975988-G-A. GRCh37 (hg19) VCF-style: chr14-61442706-G-A.
Other names: c.1015C>T, p.Pro339Ser (NM_001350253.1); c.1012C>T, p.Pro338Ser (NM_001350254.1); short protein forms P311S, P338S, P339S.
Identifiers: ClinVar variation 3810855 (VCV003810855.2).

ClinVar aggregate classification (germline): Uncertain significance. Review status: criteria provided, multiple submitters, no conflicts (2 of 4 stars). 2 submissions from 2 submitters: Uncertain significance (2). Last evaluated 2026-02-13.

Conditions:
Combined oxidative phosphorylation defect type 26 (PNSED). Also called: Combined oxidative phosphorylation deficiency 26; PERIPHERAL NEUROPATHY WITH VARIABLE SPASTICITY, EXERCISE INTOLERANCE, AND DEVELOPMENTAL DELAY. Identifiers: Orphanet 477684, MedGen C5567741, MONDO:0014684, OMIM 616539.
Inborn genetic diseases. Identifiers: MedGen C0950123, MeSH D030342.

Submissions (2):

Institute of Immunology and Genetics Kaiserslautern
Classification: Uncertain significance for Combined oxidative phosphorylation defect type 26. Last evaluated: 2026-02-13. Review status: criteria provided, single submitter. Criteria: ACMG Guidelines, 2015. Collection method: clinical testing. Allele origin: maternal. Affected: yes.
Comment: ACMG Criteria: PM2_P; Variant was found in compound-heterozygous state with TRMT5(NM_020810.3):c.318_321del.

Ambry Genetics
Classification: Uncertain significance for Inborn genetic diseases. Last evaluated: 2024-12-16. Review status: criteria provided, single submitter. Criteria: Ambry Variant Classification Scheme 2023. Collection method: clinical testing. Allele origin: germline.